The following is an entry in ClinVar:

NM_017780.4(CHD7):c.1073del (p.Gly358fs)

Gene: CHD7 (chromodomain helicase DNA binding protein 7; plus strand). Cytogenetic location: 8q12.2.
Variant type: Deletion.
Coding change: c.1073del on transcript NM_017780.4 (MANE Select); coding-DNA position 1073, one base deleted (G; older notation c.1073delG).
Protein change: p.Gly358fs; shifts the reading frame from glycine 358.
Molecular consequence: frameshift variant.
Genome position (GRCh38, 1-based): chr8:60,742,505, G deleted; the last of 2 consecutive G bases (chr8:60,742,504-60,742,505); deleting either gives the same sequence. VCF-style (leftmost placement, unchanged base first): chr8-60742503-TG-T. GRCh37 (hg19) VCF-style: chr8-61655062-TG-T.
Other names: c.1073del (LRG_176t1); c.1073del, p.Gly358fs (NM_001316690.1); short protein forms G358fs.
Identifiers: ClinVar variation 267417 (VCV000267417.2), dbSNP rs886040980, ClinGen allele CA10602484.

ClinVar aggregate classification (germline): Pathogenic (1 of 4 stars; one submission).

Conditions:
CHARGE syndrome (CHARGE). Also called: Hittner Hirsch Kreh syndrome; Coloboma, heart anomaly, choanal atresia, retardation, genital and ear anomalies; CHARGE association; Hall-Hittner syndrome; CHARGE ASSOCIATION--COLOBOMA, HEART ANOMALY, CHOANAL ATRESIA, RETARDATION, GENITAL AND EAR ANOMALIES. Identifiers: Orphanet 138, MedGen C0265354, MONDO:0008965.

Submission:

Genomic Diagnostic Laboratory, Division of Genomic Diagnostics, Children's Hospital of Philadelphia
Classification: Pathogenic for CHARGE syndrome. Last evaluated: 2016-09-05. Review status: criteria provided, single submitter. Criteria: DGD Variant Analysis Guidelines. Collection method: clinical testing. Allele origin: germline. Affected: yes. Observed: 1 variant allele.
Comment: Clinical Testing